The following is an entry in ClinVar:

ClinVar aggregate classification (germline): Likely benign (1 of 4 stars; one submission).

Conditions:
Metaphyseal chondrodysplasia, Schmid type (MCDS). Also called: SPONDYLOMETAPHYSEAL DYSPLASIA, JAPANESE TYPE. Identifiers: Orphanet 174, MedGen C0265289, MONDO:0007983, OMIM 156500.

Allele frequency attached by ClinVar (database versions not stated): 1000 Genomes Project 0.00020; gnomAD 0.00025 and 0.00035; 1000 Genomes Project 30x 0.00062.
gnomAD v4.1: 88 of 247,652 alleles (0.036%); highest among the groups gnomAD compares: South Asian, 0.29%; no homozygotes.

Submission:

Illumina Laboratory Services, Illumina
Classification: Likely benign for Metaphyseal chondrodysplasia, Schmid type. Last evaluated: 2017-04-27. Review status: criteria provided, single submitter. Criteria: ICSL Variant Classification Criteria 13 December 2019. Collection method: clinical testing. Allele origin: germline.
Comment: This variant was observed as part of a predisposition screen in an ostensibly healthy population. A literature search was performed for the gene, cDNA change, and amino acid change (where applicable). No publications were found based on this search. Allele frequency data from public databases allowed determination this variant is unlikely to cause disease. Therefore, this variant is classified as likely benign.

NM_000493.4(COL10A1):c.*291C>T

Genes: COL10A1 (collagen type X alpha 1 chain; minus strand), NT5DC1 (5'-nucleotidase domain containing 1; plus strand). Cytogenetic location: 6q22.1.
Variant type: single nucleotide variant.
Coding change: c.*291C>T on transcript NM_000493.4 (MANE Select); 291 bases downstream of the stop codon, C replaced by T.
Molecular consequence: 3 prime UTR variant. On other transcripts: intron variant (1).
Genome position (GRCh38, 1-based): chr6:116,119,782, G>A on the plus strand (C>T on the coding strand, the complement: COL10A1 is on the minus strand). VCF-style: chr6-116119782-G-A. GRCh37 (hg19) VCF-style: chr6-116440945-G-A.
Other names: c.*291C>T (NM_001424106.1, NM_001424107.1); c.529+1837G>A (NM_152729.3).
Identifiers: ClinVar variation 355084 (VCV000355084.5), dbSNP rs550887467, ClinGen allele CA10621279.
Genomic context (GRCh38, chr6:116,119,782, plus strand): 5'-CATAACTTAGAGCTCTATTTCTGTTTTTTTTTTTAATTTTTTTTTTGTTGTTTGTTTTTT[G>A]TTGTTTGTTTTTAACATAGCAGGACTTCTTTGGTGATATTTTTTAATATTGGAGAAAACC-3'